The following is an entry in ClinVar:

ClinVar aggregate classification (germline): Likely benign (1 of 4 stars; one submission).

Allele frequency attached by ClinVar (database versions not stated): ExAC 0.00002; gnomAD exomes 0.00002; gnomAD 0.00003; TOPMed 0.00003; ESP Exome Variant Server 0.00008.
gnomAD v4.1: 29 of 1,612,430 alleles (0.0018%); highest among the groups gnomAD compares: Middle Eastern, 0.016%; 1 homozygote.

Submission:

CeGaT Center for Human Genetics Tuebingen
Classification: Likely benign. Last evaluated: 2022-07-01. Review status: criteria provided, single submitter. Criteria: CeGaT Center For Human Genetics Tuebingen Variant Classification Criteria Version 2. Collection method: clinical testing. Allele origin: germline. Affected: yes. Observed: 1 variant allele.
Comment: SSBP3: BP4, BP7

NM_145716.4(SSBP3):c.852C>T (p.Pro284=)

Gene: SSBP3 (single stranded DNA binding protein 3; minus strand). Cytogenetic location: 1p32.3.
Variant type: single nucleotide variant.
Coding change: c.852C>T on transcript NM_145716.4 (MANE Select); coding-DNA position 852, C replaced by T.
Protein change: p.Pro284=; no amino-acid change (proline 284 retained).
Molecular consequence: synonymous variant.
Genome position (GRCh38, 1-based): chr1:54,240,909, G>A on the plus strand (C>T on the coding strand, the complement: SSBP3 is on the minus strand). VCF-style: chr1-54240909-G-A. GRCh37 (hg19) VCF-style: chr1-54706582-G-A.
Other names: c.771C>T, p.Pro257= (NM_001009955.4); c.795C>T, p.Pro265= (NM_001394360.1); c.732C>T, p.Pro244= (NM_001394361.1); c.711C>T, p.Pro237= (NM_001394362.1); c.621C>T, p.Pro207= (NM_001394363.1); c.522C>T, p.Pro174= (NM_001394364.1); c.441C>T, p.Pro147= (NM_001394365.1, NM_001394366.1); c.405C>T, p.Pro135= (NM_001394367.1); and 1 more.
Identifiers: ClinVar variation 2638828 (VCV002638828.24), dbSNP rs142992203, ClinGen allele CA865560.